The following is an entry in ClinVar:

NM_003482.4(KMT2D):c.4680G>A (p.Val1560=)

Gene: KMT2D (lysine methyltransferase 2D; minus strand). Cytogenetic location: 12q13.12.
Variant type: single nucleotide variant.
Coding change: c.4680G>A on transcript NM_003482.4 (MANE Select); coding-DNA position 4680, G replaced by A.
Protein change: p.Val1560=; no amino-acid change (valine 1560 retained).
Molecular consequence: synonymous variant.
Genome position (GRCh38, 1-based): chr12:49,046,078, C>T on the plus strand (G>A on the coding strand, the complement: KMT2D is on the minus strand). VCF-style: chr12-49046078-C-T. GRCh37 (hg19) VCF-style: chr12-49439861-C-T.
Identifiers: ClinVar variation 3061517 (VCV003061517.2), dbSNP rs1216635160, ClinGen allele CA479514169.

ClinVar aggregate classification (germline): Likely benign (0 of 4 stars; one submission).

Conditions:
KMT2D-related disorder. Also called: KMT2D-Related Disorders.

Allele frequency attached by ClinVar (database versions not stated): gnomAD exomes below 0.00001.
gnomAD v4.1: 1 of 1,611,650 alleles (0.000062%); highest among the groups gnomAD compares: South Asian, 0.0011%; no homozygotes.

Submission:

PreventionGenetics, part of Exact Sciences
Classification: Likely benign for KMT2D-related condition. Last evaluated: 2021-12-02. Review status: no assertion criteria provided. Collection method: clinical testing. Allele origin: germline.
Comment: This variant is classified as likely benign based on ACMG/AMP sequence variant interpretation guidelines (Richards et al. 2015 PMID: 25741868, with internal and published modifications).